The following is an entry in ClinVar:

ClinVar aggregate classification (germline): Pathogenic (1 of 4 stars; one submission).

Conditions:
LAMA2-related muscular dystrophy (LAMA2-RD). Also called: Laminin alpha 2-related dystrophy. Identifiers: MedGen C5679788, MONDO:0100228.

Submission:

Labcorp Genetics (formerly Invitae), Labcorp
Classification: Pathogenic for LAMA2-related muscular dystrophy. Last evaluated: 2019-09-11. Review status: criteria provided, single submitter. Criteria: Invitae Variant Classification Sherloc (09022015). Collection method: clinical testing. Allele origin: germline.
Comment: This sequence change creates a premature translational stop signal (p.Tyr3012Cysfs*3) in the LAMA2 gene. It is expected to result in an absent or disrupted protein product. This variant is not present in population databases (ExAC no frequency). For these reasons, this variant has been classified as Pathogenic. Loss-of-function variants in LAMA2 are known to be pathogenic (PMID: 18700894). This variant has not been reported in the literature in individuals with LAMA2-related conditions.

Literature cited by the submitters: PubMed 18700894.

NM_000426.4(LAMA2):c.9031_9034dup (p.Tyr3012fs)

Gene: LAMA2 (laminin subunit alpha 2; plus strand). Cytogenetic location: 6q22.33.
Variant type: Duplication.
Coding change: c.9031_9034dup on transcript NM_000426.4 (MANE Select); coding-DNA positions 9031 to 9034, 4 bases duplicated (GTCT; older notation c.9031_9034dupGTCT).
Protein change: p.Tyr3012fs; shifts the reading frame from tyrosine 3012.
Molecular consequence: frameshift variant.
Genome position (GRCh38, 1-based): chr6:129,514,415-129,514,418, GTCT duplicated; duplicating any 4 consecutive bases within chr6:129,514,413-129,514,418 gives the same sequence; the c. name uses the placement nearest the transcript's 3' end. VCF-style (leftmost placement, unchanged base first): chr6-129514412-G-GCTGT. GRCh37 (hg19) VCF-style: chr6-129835557-G-GCTGT.
Other names: c.9019_9022dup, p.Tyr3008fs (NM_001079823.2); short protein forms Y3008fs, Y3012fs.
Identifiers: ClinVar variation 948321 (VCV000948321.8), dbSNP rs1786860270, ClinGen allele CA1139659333.
Genomic context (GRCh38, chr6:129,514,412, plus strand): 5'-GTTCTATTTCCTACTTTCCAGTTGATGTTTCATGTGGACAATGGTGCGGGCAGATTCACT[G>GCTGT]CTGTCTATGATGCTGGGGTTCCAGGGCATTTGTGTGATGGACAATGGCATAAAGTCACTG-3'